The following is an entry in ClinVar:

ClinVar aggregate classification (germline): Uncertain significance. Review status: criteria provided, multiple submitters, no conflicts (2 of 4 stars). 2 submissions from 2 submitters: Uncertain significance (2). Last evaluated 2024-08-06.

gnomAD v4.1: 2 of 1,605,662 alleles (0.00012%); highest among the groups gnomAD compares: South Asian, 0.0022%; no homozygotes.

Submissions (2):

GeneDx
Classification: Uncertain significance. Last evaluated: 2024-08-06. Review status: criteria provided, single submitter. Criteria: GeneDx Variant Classification Process June 2021. Collection method: clinical testing. Allele origin: germline. Affected: yes.
Comment: Not observed at significant frequency in large population cohorts (gnomAD); In silico analysis supports that this missense variant has a deleterious effect on protein structure/function; Has not been previously published as pathogenic or benign to our knowledge

CeGaT Center for Human Genetics Tuebingen
Classification: Uncertain significance. Last evaluated: 2024-07-01. Review status: criteria provided, single submitter. Criteria: CeGaT Center For Human Genetics Tuebingen Variant Classification Criteria Version 2. Collection method: clinical testing. Allele origin: germline. Affected: yes. Observed: 1 variant allele.
Comment: KMT2D: PM2

NM_003482.4(KMT2D):c.14864C>T (p.Ser4955Phe)

Gene: KMT2D (lysine methyltransferase 2D; minus strand). Cytogenetic location: 12q13.12.
Variant type: single nucleotide variant.
Coding change: c.14864C>T on transcript NM_003482.4 (MANE Select); coding-DNA position 14864, C replaced by T.
Protein change: p.Ser4955Phe; replaces serine 4955 with phenylalanine.
Molecular consequence: missense variant.
Genome position (GRCh38, 1-based): chr12:49,027,102, G>A on the plus strand (C>T on the coding strand, the complement: KMT2D is on the minus strand). VCF-style: chr12-49027102-G-A. GRCh37 (hg19) VCF-style: chr12-49420885-G-A.
Other names: short protein forms S4955F.
Identifiers: ClinVar variation 3257490 (VCV003257490.18).